The following is an entry in ClinVar:

NM_000222.3(KIT):c.1241A>G (p.Glu414Gly)

Gene: KIT (KIT proto-oncogene, receptor tyrosine kinase; plus strand). Cytogenetic location: 4q12.
Variant type: single nucleotide variant.
Coding change: c.1241A>G on transcript NM_000222.3 (MANE Select); coding-DNA position 1241, A replaced by G.
Protein change: p.Glu414Gly; replaces glutamic acid 414 with glycine.
Molecular consequence: missense variant.
Genome position (GRCh38, 1-based): chr4:54,723,593, A>G. VCF-style: chr4-54723593-A-G. GRCh37 (hg19) VCF-style: chr4-55589759-A-G.
Other names: c.1241A>G, p.Glu414Gly (NM_001093772.2, NM_001385285.1, NM_001385286.1); c.1244A>G, p.Glu415Gly (NM_001385284.1, NM_001385288.1, NM_001385290.1 and 1 more transcripts); short protein forms E414G, E415G.
Identifiers: ClinVar variation 134631 (VCV000134631.1), dbSNP rs587778435, ClinGen allele CA160380.

ClinVar aggregate classification (germline): not provided (0 of 4 stars; one submission).

Submission:

ITMI
No classification provided. Condition: AllHighlyPenetrant. Last evaluated: 2013-09-19. Review status: no classification provided. Collection method: reference population. Allele origin: germline.
Comment: Please see associated publication for description of ethnicities

Literature cited by the submitters: PubMed 24728327.